The following is an entry in ClinVar:

ClinVar aggregate classification (germline): Benign/Likely benign. Review status: criteria provided, multiple submitters, no conflicts (2 of 4 stars). 3 submissions from 3 submitters: Benign (1); Likely benign (2). Last evaluated 2018-07-07.

Conditions:
Acute infantile liver failure due to synthesis defect of mtDNA-encoded proteins. Also called: Liver failure acute infantile; TRMU Deficiency; LIVER FAILURE, INFANTILE, TRANSIENT. Identifiers: Orphanet 217371, MedGen C3278664, MONDO:0013111, OMIM 613070.

Allele frequency attached by ClinVar (database versions not stated): 1000 Genomes Project 0.01338; gnomAD 0.01148; TOPMed 0.01311; 1000 Genomes Project 30x 0.01327.
gnomAD v4.1: 2,832 of 675,668 alleles (0.42%); highest among the groups gnomAD compares: African/African-American, 4%; 44 homozygotes.

Submissions (3):

GeneDx
Classification: Likely benign. Last evaluated: 2018-07-07. Review status: criteria provided, single submitter. Criteria: GeneDx Variant Classification Process June 2021. Collection method: clinical testing. Allele origin: germline. Affected: yes.

Illumina Laboratory Services, Illumina
Classification: Benign for Acute infantile liver failure due to synthesis defect of mtDNA-encoded proteins. Last evaluated: 2018-01-13. Review status: criteria provided, single submitter. Criteria: ICSL Variant Classification Criteria 13 December 2019. Collection method: clinical testing. Allele origin: germline.
Comment: This variant was observed in the ICSL laboratory as part of a predisposition screen in an ostensibly healthy population. It had not been previously curated by ICSL or reported in the Human Gene Mutation Database (HGMD: prior to June 1st, 2018), and was therefore a candidate for classification through an automated scoring system. Utilizing variant allele frequency, disease prevalence and penetrance estimates, and inheritance mode, an automated score was calculated to assess if this variant is too frequent to cause the disease. Based on the score and internal cut-off values, a variant classified as benign is not then subjected to further curation. The score for this variant resulted in a classification of benign for this disease.

Breakthrough Genomics
Classification: Likely benign. Review status: criteria provided, single submitter. Criteria: ACMG Guidelines, 2015. Collection method: not provided. Allele origin: germline. Inheritance: Autosomal dominant inheritance. Affected: yes.

NM_018006.5(TRMU):c.*210G>C

Gene: TRMU (tRNA mitochondrial 2-thiouridylase; plus strand). Cytogenetic location: 22q13.31.
Variant type: single nucleotide variant.
Coding change: c.*210G>C on transcript NM_018006.5 (MANE Select); 210 bases downstream of the stop codon, G replaced by C.
Molecular consequence: 3 prime UTR variant. On other transcripts: non-coding transcript variant (2).
Genome position (GRCh38, 1-based): chr22:46,357,216, G>C. VCF-style: chr22-46357216-G-C. GRCh37 (hg19) VCF-style: chr22-46753113-G-C.
Other names: c.*210G>C (NM_001282782.2, NM_001282783.2); c.*262G>C (NM_001282784.2, NM_001282785.2).
Identifiers: ClinVar variation 342026 (VCV000342026.8), dbSNP rs141551983, ClinGen allele CA10645698.
Genomic context (GRCh38, chr22:46,357,216, plus strand): 5'-GCGAGCCCCAGGAAGAGCCTCAGCTCCAGGCTGGGGCTCTGGCTGCTGGAGCATCTGCTG[G>C]CTGGTGGGGTGGCCCGAGTTCCCCTTCACCGCCCCCAGGGAGGGTTTCCCACCTCAGAGT-3'